The following is an entry in ClinVar:

NM_012301.4(MAGI2):c.1163A>G (p.Gln388Arg)

Gene: MAGI2 (membrane associated guanylate kinase, WW and PDZ domain containing 2; minus strand). Cytogenetic location: 7q21.11.
Variant type: single nucleotide variant.
Coding change: c.1163A>G on transcript NM_012301.4 (MANE Select); coding-DNA position 1163, A replaced by G.
Protein change: p.Gln388Arg; replaces glutamine 388 with arginine.
Molecular consequence: missense variant.
Genome position (GRCh38, 1-based): chr7:78,345,984, T>C on the plus strand (A>G on the coding strand, the complement: MAGI2 is on the minus strand). VCF-style: chr7-78345984-T-C. GRCh37 (hg19) VCF-style: chr7-77975301-T-C.
Other names: c.1163A>G, p.Gln388Arg (NM_001301128.2); short protein forms Q388R.
Identifiers: ClinVar variation 4686433 (VCV004686433.2).
Genomic context (GRCh38, chr7:78,345,984, plus strand): 5'-CGGAAACCTGGGGCCTGCAGGGGCTTTGTTCCAAGTTCTGTGTGGGGCATGTTATGTTGC[T>C]GTAGCTTCCTTTTTGCTTCCAGGACAGGATTTTCAAACTGTGTTCTTCTATTTATGTGGC-3'
Protein context (NP_036433.2, residues 378-398): NPVLEAKRKL[Gln388Arg]QHNMPHTELG

ClinVar aggregate classification (germline): Uncertain significance. Review status: criteria provided, multiple submitters, no conflicts (2 of 4 stars). 2 submissions from 2 submitters: Uncertain significance (2). Last evaluated 2025-07-14.

gnomAD v4.1: 12 of 1,614,134 alleles (0.00074%); highest among the groups gnomAD compares: Middle Eastern, 0.033%; no homozygotes.

Submissions (2):

GeneDx
Classification: Uncertain significance. Last evaluated: 2025-07-14. Review status: criteria provided, single submitter. Criteria: GeneDx Variant Classification Process June 2021. Collection method: clinical testing. Allele origin: germline. Affected: yes.
Comment: In silico analysis suggests that this missense variant does not alter protein structure/function; Has not been previously published as pathogenic or benign to our knowledge

Blueprint Genetics
Classification: Uncertain significance. Last evaluated: 2024-06-03. Review status: criteria provided, single submitter. Criteria: ACMG Guidelines, 2015. Collection method: clinical testing. Allele origin: germline.